The following is an entry in ClinVar:

NM_002225.5(IVD):c.150T>A (p.Arg50=)

Gene: IVD (isovaleryl-CoA dehydrogenase; plus strand). Cytogenetic location: 15q15.1.
Variant type: single nucleotide variant.
Coding change: c.150T>A on transcript NM_002225.5 (MANE Select); coding-DNA position 150, T replaced by A.
Protein change: p.Arg50=; no amino-acid change (arginine 50 retained).
Molecular consequence: synonymous variant. On other transcripts: non-coding transcript variant (1), intron variant (1).
Genome position (GRCh38, 1-based): chr15:40,407,641, T>A. VCF-style: chr15-40407641-T-A. GRCh37 (hg19) VCF-style: chr15-40699842-T-A.
Other names: c.102T>A, p.Arg34= (NM_001354597.3); c.150T>A, p.Arg50= (NM_001354598.3, NM_001354599.3, NM_001354600.3 and 1 more transcripts); c.145-298T>A (NM_001159508.3).
Identifiers: ClinVar variation 510860 (VCV000510860.18), dbSNP rs762440985, ClinGen allele CA7480514.

ClinVar aggregate classification (germline): Conflicting classifications of pathogenicity. Review status: criteria provided, conflicting classifications (1 of 4 stars). 4 submissions from 4 submitters: Uncertain significance (1); Likely benign (2). 1 of the submissions does not count toward it. Last evaluated 2023-12-21.

Conditions:
Isovaleryl-CoA dehydrogenase deficiency (IVA). Also called: Classic Isovaleric Acidemia; IVD DEFICIENCY; Isovaleric acidemia; ISOVALERIC ACID CoA DEHYDROGENASE DEFICIENCY. Identifiers: Orphanet 33, MedGen C0268575, MONDO:0009475, OMIM 243500.

Allele frequency attached by ClinVar (database versions not stated): gnomAD 0.00001; TOPMed 0.00001; ExAC 0.00002; gnomAD exomes 0.00003.
gnomAD v4.1: 41 of 1,613,894 alleles (0.0025%); highest among the groups gnomAD compares: Non-Finnish European, 0.0033%; no homozygotes.

Submissions (4):

Labcorp Genetics (formerly Invitae), Labcorp
Classification: Likely benign for Isovaleryl-CoA dehydrogenase deficiency. Last evaluated: 2023-12-21. Review status: criteria provided, single submitter. Criteria: Invitae Variant Classification Sherloc (09022015). Collection method: clinical testing. Allele origin: germline.

Illumina Laboratory Services, Illumina
Classification: Uncertain significance for Isovaleryl-CoA dehydrogenase deficiency. Last evaluated: 2018-01-13. Review status: criteria provided, single submitter. Criteria: ICSL Variant Classification Criteria 13 December 2019. Collection method: clinical testing. Allele origin: germline.

GeneDx
Classification: Likely benign. Last evaluated: 2017-07-28. Review status: criteria provided, single submitter. Criteria: GeneDx Variant Classification (06012015). Collection method: clinical testing. Allele origin: germline. Affected: yes.
Comment: This variant is considered likely benign or benign based on one or more of the following criteria: it is a conservative change, it occurs at a poorly conserved position in the protein, it is predicted to be benign by multiple in silico algorithms, and/or has population frequency not consistent with disease.

Natera, Inc.
Classification: Likely benign for Isovaleryl-coa dehydrogenase deficiency. Last evaluated: 2018-09-25. Review status: no assertion criteria provided. Collection method: clinical testing. Allele origin: germline. Not counted in ClinVar's aggregate classification.